The following is an entry in ClinVar:

ClinVar aggregate classification (germline): Uncertain significance (1 of 4 stars; one submission).

Conditions:
Early Myoclonic Encephalopathy. Identifiers: MedGen C0270855.

Allele frequency attached by ClinVar (database versions not stated): TOPMed 0.00002; gnomAD 0.00003.
gnomAD v4.1: 11 of 1,613,700 alleles (0.00068%); highest among the groups gnomAD compares: Non-Finnish European, 0.00093%; no homozygotes.

Submission:

Labcorp Genetics (formerly Invitae), Labcorp
Classification: Uncertain significance for Early Myoclonic Encephalopathy. Last evaluated: 2025-04-23. Review status: criteria provided, single submitter. Criteria: Invitae Variant Classification Sherloc (09022015). Collection method: clinical testing. Allele origin: germline.
Comment: This sequence change replaces alanine, which is neutral and non-polar, with valine, which is neutral and non-polar, at codon 543 of the KCND2 protein (p.Ala543Val). This variant is present in population databases (no rsID available, gnomAD 0.002%). This variant has not been reported in the literature in individuals affected with KCND2-related conditions. ClinVar contains an entry for this variant (Variation ID: 568878). Invitae Evidence Modeling of protein sequence and biophysical properties (such as structural, functional, and spatial information, amino acid conservation, physicochemical variation, residue mobility, and thermodynamic stability) indicates that this missense variant is not expected to disrupt KCND2 protein function with a negative predictive value of 95%. In summary, the available evidence is currently insufficient to determine the role of this variant in disease. Therefore, it has been classified as a Variant of Uncertain Significance.

NM_012281.3(KCND2):c.1628C>T (p.Ala543Val)

Gene: KCND2 (potassium voltage-gated channel subfamily D member 2; plus strand). Cytogenetic location: 7q31.31.
Variant type: single nucleotide variant.
Coding change: c.1628C>T on transcript NM_012281.3 (MANE Select); coding-DNA position 1628, C replaced by T.
Protein change: p.Ala543Val; replaces alanine 543 with valine.
Molecular consequence: missense variant.
Genome position (GRCh38, 1-based): chr7:120,745,940, C>T. VCF-style: chr7-120745940-C-T. GRCh37 (hg19) VCF-style: chr7-120385994-C-T.
Other names: short protein forms A543V.
Identifiers: ClinVar variation 568878 (VCV000568878.8), dbSNP rs1168875214, ClinGen allele CA369135776.
Genomic context (GRCh38, chr7:120,745,940, plus strand): 5'-AAGGAGTCACCAGCACCTGCTGTTCACGACGACACAAAAAAACTTTTCGCATCCCAAATG[C>T]CAATGTATCAGGAAGCCATCAAGGTAGTATACAAGAACTCAGCACGATTCAGATCAGATG-3'
Protein context (NP_036413.1, residues 533-553): RHKKTFRIPN[Ala543Val]NVSGSHQGSI